The following is an entry in ClinVar:

ClinVar aggregate classification (germline): Conflicting classifications of pathogenicity. Review status: criteria provided, conflicting classifications (1 of 4 stars). 5 submissions from 5 submitters: Uncertain significance (2); Likely benign (1). 2 of the submissions do not count toward it. Last evaluated 2023-03-24.

Conditions:
Hereditary breast ovarian cancer syndrome. Also called: Hereditary breast and ovarian cancer syndrome; Hereditary breast and ovarian cancer; Hereditary breast and ovarian cancer syndrome (HBOC); Breast and ovarian cancer; Hereditary breast and/or ovarian cancer syndrome; BRCA1- and BRCA2-Associated Hereditary Breast and Ovarian Cancer. Identifiers: Orphanet 145, MedGen C0677776, MeSH D061325, MONDO:0003582. Disease mechanism: loss of function.
Hereditary cancer-predisposing syndrome. Also called: Neoplastic Syndromes, Hereditary; Tumor predisposition; Hereditary Cancer Syndrome; Hereditary neoplastic syndrome. Identifiers: Orphanet 140162, MedGen C0027672, MeSH D009386, MONDO:0015356.
Breast-ovarian cancer, familial, susceptibility to, 2 (BROVCA2). Also called: BRCA2 Hereditary Breast and Ovarian Cancer. Identifiers: Orphanet 145, MedGen C2675520, MONDO:0012933, OMIM 612555. Disease mechanism: loss of function.

gnomAD v4.1: 3 of 1,608,478 alleles (0.00019%); highest among the groups gnomAD compares: Non-Finnish European, 0.00025%; no homozygotes.

Submissions (5):

Labcorp Genetics (formerly Invitae), Labcorp
Classification: Uncertain significance for Hereditary breast ovarian cancer syndrome. Last evaluated: 2023-03-24. Review status: criteria provided, single submitter. Criteria: Invitae Variant Classification Sherloc (09022015). Collection method: clinical testing. Allele origin: germline.
Comment: In summary, the available evidence is currently insufficient to determine the role of this variant in disease. Therefore, it has been classified as a Variant of Uncertain Significance. This sequence change replaces valine, which is neutral and non-polar, with leucine, which is neutral and non-polar, at codon 1255 of the BRCA2 protein (p.Val1255Leu). This variant is not present in population databases (gnomAD no frequency). This missense change has been observed in individual(s) with clinical features of BRCA2-related conditions (PMID: 10923033). ClinVar contains an entry for this variant (Variation ID: 51518). Advanced modeling of protein sequence and biophysical properties (such as structural, functional, and spatial information, amino acid conservation, physicochemical variation, residue mobility, and thermodynamic stability) performed at Invitae indicates that this missense variant is not expected to disrupt BRCA2 protein function.

University of Washington Department of Laboratory Medicine, University of Washington
Classification: Likely benign for Hereditary cancer-predisposing syndrome. Last evaluated: 2023-03-23. Review status: criteria provided, single submitter. Criteria: Dines et al. (Genet Med. 2020). Collection method: curation. Allele origin: germline.
Comment: Missense variant in a coldspot region where missense variants are very unlikely to be pathogenic (PMID:31911673).

BRCA2 exon 11 coldspot. Reclassification based on statistical prior probability.

Ambry Genetics
Classification: Uncertain significance for Hereditary cancer-predisposing syndrome. Last evaluated: 2019-01-07. Review status: criteria provided, single submitter. Criteria: Ambry Variant Classification Scheme 2023. Collection method: clinical testing. Allele origin: germline.
Comment: The p.V1255L variant (also known as c.3763G>T), located in coding exon 10 of the BRCA2 gene, results from a G to T substitution at nucleotide position 3763. The valine at codon 1255 is replaced by leucine, an amino acid with highly similar properties. This amino acid position is not well conserved in available vertebrate species. In addition, this alteration is predicted to be tolerated by in silico analysis. Since supporting evidence is limited at this time, the clinical significance of this alteration remains unclear.

Sharing Clinical Reports Project (SCRP)
Classification: Uncertain significance for Breast-ovarian cancer, familial 2. Last evaluated: 2009-09-21. Review status: no assertion criteria provided. Collection method: clinical testing. Allele origin: germline. Not counted in ClinVar's aggregate classification.

Breast Cancer Information Core (BIC) (BRCA2)
Classification: Uncertain significance for Breast-ovarian cancer, familial 2. Last evaluated: 1998-11-30. Review status: no assertion criteria provided. Collection method: clinical testing. Allele origin: germline. Affected: yes. Observed: 1 variant allele. Not counted in ClinVar's aggregate classification.

Literature cited by the submitters: PubMed 10923033 (cited by Labcorp Genetics (formerly Invitae), Labcorp).

NM_000059.4(BRCA2):c.3763G>T (p.Val1255Leu)

Gene: BRCA2 (BRCA2 DNA repair associated; plus strand). Cytogenetic location: 13q13.1.
Variant type: single nucleotide variant.
Coding change: c.3763G>T on transcript NM_000059.4 (MANE Select); coding-DNA position 3763, G replaced by T.
Protein change: p.Val1255Leu; replaces valine 1255 with leucine.
Molecular consequence: missense variant.
Genome position (GRCh38, 1-based): chr13:32,338,118, G>T. VCF-style: chr13-32338118-G-T. GRCh37 (hg19) VCF-style: chr13-32912255-G-T.
Other names: 3991G>T; short protein forms V1255L.
Identifiers: ClinVar variation 51518 (VCV000051518.16), dbSNP rs80358617, ClinGen allele CA018742.